The following is an entry in ClinVar:

NM_006277.3(ITSN2):c.2091G>A (p.Lys697=)

Gene: ITSN2 (intersectin 2; minus strand). Cytogenetic location: 2p23.3.
Variant type: single nucleotide variant.
Coding change: c.2091G>A on transcript NM_006277.3 (MANE Select); coding-DNA position 2091, G replaced by A.
Protein change: p.Lys697=; no amino-acid change (lysine 697 retained).
Molecular consequence: synonymous variant.
Genome position (GRCh38, 1-based): chr2:24,271,932, C>T on the plus strand (G>A on the coding strand, the complement: ITSN2 is on the minus strand). VCF-style: chr2-24271932-C-T. GRCh37 (hg19) VCF-style: chr2-24494801-C-T.
Other names: c.2049G>A, p.Lys683= (NM_001348181.2); c.2010G>A, p.Lys670= (NM_001348182.2, NM_001348183.2, NM_001348186.2 and 1 more transcripts); c.1968G>A, p.Lys656= (NM_001348184.2); c.2091G>A, p.Lys697= (NM_001348185.2, NM_147152.3).
Identifiers: ClinVar variation 3036180 (VCV003036180.2), dbSNP rs566765388, ClinGen allele CA1551281.

ClinVar aggregate classification (germline): Likely benign (0 of 4 stars; one submission).

Conditions:
ITSN2-related disorder. Also called: ITSN2-related condition.

Allele frequency attached by ClinVar (database versions not stated): gnomAD 0.00001; TOPMed 0.00001; gnomAD exomes 0.00002; ExAC 0.00009; 1000 Genomes Project 30x 0.00016; 1000 Genomes Project 0.00020.
gnomAD v4.1: 24 of 1,435,304 alleles (0.0017%); highest among the groups gnomAD compares: South Asian, 0.026%; no homozygotes.

Submission:

PreventionGenetics, part of Exact Sciences
Classification: Likely benign for ITSN2-related condition. Last evaluated: 2022-09-01. Review status: no assertion criteria provided. Collection method: clinical testing. Allele origin: germline.
Comment: This variant is classified as likely benign based on ACMG/AMP sequence variant interpretation guidelines (Richards et al. 2015 PMID: 25741868, with internal and published modifications).